The following is an entry in ClinVar:

NM_000166.6(GJB1):c.220G>C (p.Val74Leu)

Gene: GJB1 (gap junction protein beta 1; plus strand). Cytogenetic location: Xq13.1.
Variant type: single nucleotide variant.
Coding change: c.220G>C on transcript NM_000166.6 (MANE Select); coding-DNA position 220, G replaced by C.
Protein change: p.Val74Leu; replaces valine 74 with leucine.
Molecular consequence: missense variant.
Genome position (GRCh38, 1-based): chrX:71,223,927, G>C. VCF-style: chrX-71223927-G-C. GRCh37 (hg19) VCF-style: chrX-70443777-G-C.
Other names: c.220G>C, p.Val74Leu (NM_001097642.3); short protein forms V74L.
Identifiers: ClinVar variation 1383979 (VCV001383979.6), dbSNP rs772377652, ClinGen allele CA10445281.

ClinVar aggregate classification (germline): Uncertain significance (1 of 4 stars; one submission).

Conditions:
Charcot-Marie-Tooth Neuropathy X. Identifiers: MedGen CN118851.

Allele frequency attached by ClinVar (database versions not stated): ExAC 0.00014.

Submission:

Labcorp Genetics (formerly Invitae), Labcorp
Classification: Uncertain significance for Charcot-Marie-Tooth Neuropathy X. Last evaluated: 2021-09-30. Review status: criteria provided, single submitter. Criteria: Invitae Variant Classification Sherloc (09022015). Collection method: clinical testing. Allele origin: germline.
Comment: This sequence change replaces valine with leucine at codon 74 of the GJB1 protein (p.Val74Leu). The valine residue is moderately conserved and there is a small physicochemical difference between valine and leucine. In summary, the available evidence is currently insufficient to determine the role of this variant in disease. Therefore, it has been classified as a Variant of Uncertain Significance. This variant disrupts the p.Val74 amino acid residue in GJB1. Other variant(s) that disrupt this residue have been observed in individuals with GJB1-related conditions (PMID: 23649551, 27804109; Invitae), which suggests that this may be a clinically significant amino acid residue. Algorithms developed to predict the effect of missense changes on protein structure and function (SIFT, PolyPhen-2, Align-GVGD) all suggest that this variant is likely to be tolerated. This variant has not been reported in the literature in individuals affected with GJB1-related conditions. The frequency data for this variant in the population databases is considered unreliable, as metrics indicate poor data quality at this position in the ExAC database.

Literature cited by the submitters: PubMed 23649551; PubMed 27804109.